The following is an entry in ClinVar:

NM_001369.3(DNAH5):c.11315A>T (p.Gln3772Leu)

Genes: DNAH5 (dynein axonemal heavy chain 5; minus strand), LOC107457585 (meiotic recombination hotspot J; plus strand). Cytogenetic location: 5p15.2.
Variant type: single nucleotide variant.
Coding change: c.11315A>T on transcript NM_001369.3 (MANE Select); coding-DNA position 11315, A replaced by T.
Protein change: p.Gln3772Leu; replaces glutamine 3772 with leucine.
Molecular consequence: missense variant.
Genome position (GRCh38, 1-based): chr5:13,737,392, T>A on the plus strand (A>T on the coding strand, the complement: DNAH5 is on the minus strand). VCF-style: chr5-13737392-T-A. GRCh37 (hg19) VCF-style: chr5-13737501-T-A.
Other names: short protein forms Q3772L.
Identifiers: ClinVar variation 1728355 (VCV001728355.2), dbSNP rs2546569527, ClinGen allele CA359227923.

ClinVar aggregate classification (germline): Uncertain significance (1 of 4 stars; one submission).

Conditions:
Primary ciliary dyskinesia. Also called: Ciliary dyskinesia. Identifiers: Orphanet 244, MedGen C0008780, MONDO:0016575, HP:0012265.

Submission:

Ambry Genetics
Classification: Uncertain significance for Primary ciliary dyskinesia. Last evaluated: 2022-08-16. Review status: criteria provided, single submitter. Criteria: Ambry Variant Classification Scheme 2023. Collection method: clinical testing. Allele origin: germline.
Comment: The p.Q3772L variant (also known as c.11315A>T), located in coding exon 66 of the DNAH5 gene, results from an A to T substitution at nucleotide position 11315. The glutamine at codon 3772 is replaced by leucine, an amino acid with dissimilar properties. This amino acid position is conserved. In addition, this alteration is predicted to be tolerated by in silico analysis. Since supporting evidence is limited at this time, the clinical significance of this alteration remains unclear.